The following is an entry in ClinVar:

ClinVar aggregate classification (germline): Uncertain significance. Review status: criteria provided, multiple submitters, no conflicts (2 of 4 stars). 5 submissions from 4 submitters: Uncertain significance (5). Last evaluated 2026-04-06.

Conditions:
Inherited obesity. Also called: Monogenic Obesity. Identifiers: Orphanet 77828, MedGen C4054476, MONDO:0019182, OMIM 601665.
Obesity due to pro-opiomelanocortin deficiency. Also called: Obesity, adrenal insufficiency, and red hair due to POMC deficiency; OBESITY, EARLY-ONSET, WITH ADRENAL INSUFFICIENCY AND RED HAIR; PROOPIOMELANOCORTIN DEFICIENCY. Identifiers: Orphanet 71526, MedGen C1857854, MONDO:0012335, OMIM 609734.
Obesity. Also called: Obesity disorder. Identifiers: Orphanet 71529, MedGen C0028754, MeSH D009765, MONDO:0011122, HP:0001513.
POMC-related disorder. Also called: POMC-related condition; POMC-related disorders.

Allele frequency attached by ClinVar (database versions not stated): gnomAD exomes 0.00003 and 0.00008; ExAC 0.00004; TOPMed 0.00005; gnomAD 0.00007.
gnomAD v4.1: 125 of 1,613,998 alleles (0.0077%); highest among the groups gnomAD compares: Non-Finnish European, 0.0098%; no homozygotes.

Submissions (5):

PreventionGenetics, part of Exact Sciences
Classification: Uncertain significance for POMC-related condition. Last evaluated: 2026-04-06. Review status: criteria provided, single submitter. Criteria: ACMG Guidelines, 2015. Collection method: clinical testing. Allele origin: germline.
Comment: The POMC c.116C>T variant is predicted to result in the amino acid substitution p.Thr39Met. This variant was observed in a cohort of individuals with obesity, and in vitro functional studies showed no evidence of loss of function (Supplemental Data Set, Shah et al. 2023. PubMed ID: 36864747). This variant is reported in 0.0062% of alleles in individuals of European (Non-Finnish) descent in gnomAD. At this time, the clinical significance of this variant is uncertain due to the absence of conclusive functional and genetic evidence.

Department of Pathology and Laboratory Medicine, Sinai Health System
Classification: Uncertain significance for Inherited obesity; Obesity due to pro-opiomelanocortin deficiency. Last evaluated: 2023-11-07. Review status: criteria provided, single submitter. Criteria: ACMG Guidelines, 2015. Collection method: research. Allele origin: germline.

Illumina Laboratory Services, Illumina
Classification: Uncertain significance for Inherited obesity. Last evaluated: 2018-01-13. Review status: criteria provided, single submitter. Criteria: ICSL Variant Classification Criteria 13 December 2019. Collection method: clinical testing. Allele origin: germline.

Illumina Laboratory Services, Illumina
Classification: Uncertain significance for Obesity due to pro-opiomelanocortin deficiency. Last evaluated: 2018-01-13. Review status: criteria provided, single submitter. Criteria: ICSL Variant Classification Criteria 13 December 2019. Collection method: clinical testing. Allele origin: germline.

Breakthrough Genomics
Classification: Uncertain significance. Review status: criteria provided, single submitter. Criteria: ACMG Guidelines, 2015. Collection method: not provided. Allele origin: germline. Inheritance: Autosomal recessive inheritance. Affected: yes.

NM_000939.4(POMC):c.116C>T (p.Thr39Met)

Gene: POMC (proopiomelanocortin; minus strand). Cytogenetic location: 2p23.3.
Variant type: single nucleotide variant.
Coding change: c.116C>T on transcript NM_000939.4 (MANE Select); coding-DNA position 116, C replaced by T.
Protein change: p.Thr39Met; replaces threonine 39 with methionine.
Molecular consequence: missense variant.
Genome position (GRCh38, 1-based): chr2:25,164,657, G>A on the plus strand (C>T on the coding strand, the complement: POMC is on the minus strand). VCF-style: chr2-25164657-G-A. GRCh37 (hg19) VCF-style: chr2-25387526-G-A.
Other names: c.116C>T, p.Thr39Met (NM_001035256.3, NM_001319204.2, NM_001319205.2); c.116C>T (NM_000939.3); short protein forms T39M.
Identifiers: ClinVar variation 897472 (VCV000897472.9), dbSNP rs200370644, ClinGen allele CA1555400.